The following is an entry in ClinVar:

NM_004171.4(SLC1A2):c.1622C>G (p.Ala541Gly)

Gene: SLC1A2 (solute carrier family 1 member 2; minus strand). Cytogenetic location: 11p13.
Variant type: single nucleotide variant.
Coding change: c.1622C>G on transcript NM_004171.4 (MANE Select); coding-DNA position 1622, C replaced by G.
Protein change: p.Ala541Gly; replaces alanine 541 with glycine.
Molecular consequence: missense variant.
Genome position (GRCh38, 1-based): chr11:35,265,558, G>C on the plus strand (C>G on the coding strand, the complement: SLC1A2 is on the minus strand). VCF-style: chr11-35265558-G-C. GRCh37 (hg19) VCF-style: chr11-35287105-G-C.
Other names: c.1622C>G (NM_004171.3); c.1595C>G, p.Ala532Gly (NM_001195728.3, NM_001252652.2); short protein forms A532G, A541G.
Identifiers: ClinVar variation 1049735 (VCV001049735.6), dbSNP rs148795275, ClinGen allele CA5947041.

ClinVar aggregate classification (germline): Likely benign. Review status: criteria provided, multiple submitters, no conflicts (2 of 4 stars). 3 submissions from 3 submitters: Likely benign (2). 1 of the submissions does not count toward it. Last evaluated 2025-11-23.

Conditions:
Inborn genetic diseases. Identifiers: MedGen C0950123, MeSH D030342.

Allele frequency attached by ClinVar (database versions not stated): ESP Exome Variant Server 0.00008; gnomAD exomes 0.00007; gnomAD 0.00003 and 0.00004; TOPMed 0.00004; ExAC 0.00005.
gnomAD v4.1: 53 of 1,601,704 alleles (0.0033%); highest among the groups gnomAD compares: Non-Finnish European, 0.00094%; no homozygotes.

Submissions (3):

Labcorp Genetics (formerly Invitae), Labcorp
Classification: Likely benign. Last evaluated: 2025-11-23. Review status: criteria provided, single submitter. Criteria: Invitae Variant Classification Sherloc (09022015). Collection method: clinical testing. Allele origin: germline.

Ambry Genetics
Classification: Likely benign for Inborn genetic diseases. Last evaluated: 2022-12-27. Review status: criteria provided, single submitter. Criteria: Ambry Variant Classification Scheme 2023. Collection method: clinical testing. Allele origin: germline.

Department of Pathology and Laboratory Medicine, Sinai Health System
Classification: Benign. Review status: no assertion criteria provided. Collection method: clinical testing. Allele origin: unknown. Affected: yes. Study: The Canadian Open Genetics Repository (COGR). Not counted in ClinVar's aggregate classification.
Comment: Â¬â€ The SLC1A2 p.A532G variant was not identified in the literature nor was it identified in ClinVar. The variant was identified in dbSNP (ID: rs148795275) and in control databases in 18 of 282732 chromosomes at a frequency of 0.00006366 (Genome Aggregation Database March 6, 2019, v2.1.1). The variant was observed in the following populations: Ashkenazi Jewish in 16 of 10364 chromosomes (freq: 0.001544), Other in 1 of 7224 chromosomes (freq: 0.000138) and European (non-Finnish) in 1 of 129108 chromosomes (freq: 0.000008), but was not observed in the African, Latino, East Asian, European (Finnish), or South Asian populations. The frequency is greater than expected for the rare autosomal dominant early infantile epileptic encephalopathy 41 condition that is associated with SLC1A2 variants. The p.A532 residue is conserved in across mammals and other organisms however computational analyses (PolyPhen-2, SIFT, MutationTaster, Revel, FATHMM, MetaLR, DANN) do not suggest a high likelihood of impact to the protein; this information is not predictive enough to rule out pathogenicity. The variant occurs outside of the splicing consensus sequence and in silico or computational prediction software programs (Splice AI exome) do not predict a difference in splicing. In summary, based on the above information this variant meets our laboratory's criteria to be classified as benign.